The following is an entry in ClinVar:

ClinVar aggregate classification (germline): Uncertain significance (1 of 4 stars; one submission).

Conditions:
Alstrom syndrome (ALMS). Identifiers: Orphanet 64, MedGen C0268425, MONDO:0008763, OMIM 203800.

Allele frequency attached by ClinVar (database versions not stated): gnomAD exomes below 0.00001.
gnomAD v4.1: 3 of 1,614,204 alleles (0.00019%); highest among the groups gnomAD compares: African/African-American, 0.0013%; no homozygotes.

Submission:

Labcorp Genetics (formerly Invitae), Labcorp
Classification: Uncertain significance for Alstrom syndrome. Last evaluated: 2022-04-11. Review status: criteria provided, single submitter. Criteria: Invitae Variant Classification Sherloc (09022015). Collection method: clinical testing. Allele origin: germline.
Comment: This sequence change replaces threonine, which is neutral and polar, with alanine, which is neutral and non-polar, at codon 3995 of the ALMS1 protein (p.Thr3995Ala). This variant is not present in population databases (gnomAD no frequency). This variant has not been reported in the literature in individuals affected with ALMS1-related conditions. Experimental studies and prediction algorithms are not available or were not evaluated, and the functional significance of this variant is currently unknown. In summary, the available evidence is currently insufficient to determine the role of this variant in disease. Therefore, it has been classified as a Variant of Uncertain Significance.

NM_001378454.1(ALMS1):c.11980A>G (p.Thr3994Ala)

Genes: ALMS1 (ALMS1 centrosome and basal body associated protein; plus strand), LOC126806252 (BRD4-independent group 4 enhancer GRCh37_chr2:73828496-73829695; plus strand). Cytogenetic location: 2p13.1.
Variant type: single nucleotide variant.
Coding change: c.11980A>G on transcript NM_001378454.1 (MANE Select); coding-DNA position 11980, A replaced by G.
Protein change: p.Thr3994Ala; replaces threonine 3994 with alanine.
Molecular consequence: missense variant.
Genome position (GRCh38, 1-based): chr2:73,601,302, A>G. VCF-style: chr2-73601302-A-G. GRCh37 (hg19) VCF-style: chr2-73828429-A-G.
Other names: c.11983A>G, p.Thr3995Ala (NM_015120.4); short protein forms T3995A, T3994A.
Identifiers: ClinVar variation 2050064 (VCV002050064.1), dbSNP rs1573054192, ClinGen allele CA347266143.
Genomic context (GRCh38, chr2:73,601,302, plus strand): 5'-AAGGAAAACGTGCCTAACACTTGTGGCCCTGGCATCTCCTGGTTTGAACCAATAACCAAG[A>G]CCAGACCCTGGAGGGAGCCACTGCGGGAGCAGAACTGTCAGGGGCAGCACCTGGACGGTC-3'
Protein context (NP_001365383.1, residues 3984-4004): GISWFEPITK[Thr3994Ala]RPWREPLREQ